The following is an entry in ClinVar:

ClinVar aggregate classification (germline): Uncertain significance (1 of 4 stars; one submission).

Allele frequency attached by ClinVar (database versions not stated): ExAC 0.00002.
gnomAD v4.1: 6 of 1,613,056 alleles (0.00037%); highest among the groups gnomAD compares: South Asian, 0.0066%; 1 homozygote.

Submission:

Labcorp Genetics (formerly Invitae), Labcorp
Classification: Uncertain significance. Last evaluated: 2022-06-13. Review status: criteria provided, single submitter. Criteria: Invitae Variant Classification Sherloc (09022015). Collection method: clinical testing. Allele origin: germline.
Comment: In summary, the available evidence is currently insufficient to determine the role of this variant in disease. Therefore, it has been classified as a Variant of Uncertain Significance. Algorithms developed to predict the effect of missense changes on protein structure and function (SIFT, PolyPhen-2, Align-GVGD) all suggest that this variant is likely to be disruptive. This variant has not been reported in the literature in individuals affected with CPLX1-related conditions. This variant is not present in population databases (gnomAD no frequency). This sequence change replaces glycine, which is neutral and non-polar, with cysteine, which is neutral and slightly polar, at codon 22 of the CPLX1 protein (p.Gly22Cys).

NM_006651.4(CPLX1):c.64G>T (p.Gly22Cys)

Genes: CPLX1 (complexin 1; minus strand), CPLX1-AS1 (CPLX1 antisense RNA 1; plus strand). Cytogenetic location: 4p16.3.
Variant type: single nucleotide variant.
Coding change: c.64G>T on transcript NM_006651.4 (MANE Select); coding-DNA position 64, G replaced by T.
Protein change: p.Gly22Cys; replaces glycine 22 with cysteine.
Molecular consequence: missense variant.
Genome position (GRCh38, 1-based): chr4:792,576, C>A on the plus strand (G>T on the coding strand, the complement: CPLX1 is on the minus strand). VCF-style: chr4-792576-C-A. GRCh37 (hg19) VCF-style: chr4-786364-C-A.
Other names: short protein forms G22C.
Identifiers: ClinVar variation 2002270 (VCV002002270.4), dbSNP rs745590886, ClinGen allele CA2797007.